The following is an entry in ClinVar:

ClinVar aggregate classification (germline): Likely pathogenic (1 of 4 stars; one submission).

Conditions:
Charlevoix-Saguenay spastic ataxia (SACS). Also called: SPASTIC ATAXIA 6, AUTOSOMAL RECESSIVE; AUTOSOMAL RECESSIVE SPASTIC ATAXIA OF CHARLEVOIX-SAGUENAY; Spastic ataxia of Charlevoix-Saguenay. Identifiers: Orphanet 98, MedGen C1849140, MONDO:0010041, OMIM 270550.

Submission:

Myriad Genetics, Inc.
Classification: Likely pathogenic for Charlevoix-Saguenay spastic ataxia. Last evaluated: 2021-12-08. Review status: criteria provided, single submitter. Criteria: Myriad Women's Health Autosomal Recessive and X-Linked Classification Criteria (2021). Collection method: clinical testing. Allele origin: unknown.
Comment: NM_014363.4(SACS):c.343A>T(K115*) is expected to be pathogenic in the context of autosomal recessive spastic ataxia of Charlevoix-Saguenay. This variant is predicted to lead to an abnormal or absent protein product due to the creation of a premature termination codon in SACS, a gene where loss-of-function variants are known to be pathogenic. Please note: this variant was assessed in the context of healthy population screening.

NM_014363.6(SACS):c.343A>T (p.Lys115Ter)

Gene: SACS (sacsin molecular chaperone; minus strand). Cytogenetic location: 13q12.12.
Variant type: single nucleotide variant.
Coding change: c.343A>T on transcript NM_014363.6 (MANE Select); coding-DNA position 343, A replaced by T.
Protein change: p.Lys115Ter; replaces lysine 115 with a stop codon.
Molecular consequence: nonsense. On other transcripts: 5 prime UTR variant (1).
Genome position (GRCh38, 1-based): chr13:23,368,404, T>A on the plus strand (A>T on the coding strand, the complement: SACS is on the minus strand). VCF-style: chr13-23368404-T-A. GRCh37 (hg19) VCF-style: chr13-23942543-T-A.
Other names: c.-99A>T (NM_001278055.2); short protein forms K115*.
Identifiers: ClinVar variation 1726003 (VCV001726003.2), dbSNP rs2542458038, ClinGen allele CA387553107.